The following is an entry in ClinVar:

NM_001365276.2(TNXB):c.5972G>A (p.Gly1991Glu)

Gene: TNXB (tenascin XB; minus strand). Cytogenetic location: 6p21.33.
Variant type: single nucleotide variant.
Coding change: c.5972G>A on transcript NM_001365276.2 (MANE Select); coding-DNA position 5972, G replaced by A.
Protein change: p.Gly1991Glu; replaces glycine 1991 with glutamic acid.
Molecular consequence: missense variant.
Genome position (GRCh38, 1-based): chr6:32,068,638, C>T on the plus strand (G>A on the coding strand, the complement: TNXB is on the minus strand). VCF-style: chr6-32068638-C-T. GRCh37 (hg19) VCF-style: chr6-32036415-C-T.
Other names: c.6713G>A, p.Gly2238Glu (NM_001428335.1); c.5972G>A, p.Gly1991Glu (NM_019105.8); short protein forms G1991E, G2238E.
Identifiers: ClinVar variation 4884931 (VCV004884931.2).

ClinVar aggregate classification (germline): Uncertain significance (1 of 4 stars; one submission).

gnomAD v4.1: 2 of 1,613,890 alleles (0.00012%); highest among the groups gnomAD compares: Non-Finnish European, 0.00017%; no homozygotes.

Submission:

Dasa
Classification: Uncertain significance. Last evaluated: 2025-08-28. Review status: criteria provided, single submitter. Criteria: DASA Assertion Criteria. Collection method: clinical testing. Allele origin: germline.
Comment: NM_001365276.2(TNXB):c.5972G>A (p.Gly1991Glu) is a missense variant that results in the substitution of glycine with glutamic acid. This variant is rare in population databases. The currently available literature and clinical evidence are not sufficient to establish a definitive association between this variant and the reported condition. Therefore, this variant is classified as a variant of uncertain significance.